The following is an entry in ClinVar:

ClinVar aggregate classification (germline): Uncertain significance (1 of 4 stars; one submission).

Allele frequency attached by ClinVar (database versions not stated): gnomAD exomes below 0.00001; ExAC 0.00001.

Submission:

Labcorp Genetics (formerly Invitae), Labcorp
Classification: Uncertain significance. Last evaluated: 2021-08-05. Review status: criteria provided, single submitter. Criteria: Invitae Variant Classification Sherloc (09022015). Collection method: clinical testing. Allele origin: germline.
Comment: In summary, the available evidence is currently insufficient to determine the role of this variant in disease. Therefore, it has been classified as a Variant of Uncertain Significance. Algorithms developed to predict the effect of missense changes on protein structure and function (SIFT, PolyPhen-2, Align-GVGD) all suggest that this variant is likely to be disruptive, but these predictions have not been confirmed by published functional studies and their clinical significance is uncertain. This variant has not been reported in the literature in individuals with PITPNM3-related conditions. This variant is present in population databases (rs750890752, ExAC 0.002%). This sequence change replaces histidine with tyrosine at codon 175 of the PITPNM3 protein (p.His175Tyr). The histidine residue is highly conserved and there is a moderate physicochemical difference between histidine and tyrosine.

NM_031220.4(PITPNM3):c.523C>T (p.His175Tyr)

Gene: PITPNM3 (PITPNM family member 3; minus strand). Cytogenetic location: 17p13.2.
Variant type: single nucleotide variant.
Coding change: c.523C>T on transcript NM_031220.4 (MANE Select); coding-DNA position 523, C replaced by T.
Protein change: p.His175Tyr; replaces histidine 175 with tyrosine.
Molecular consequence: missense variant.
Genome position (GRCh38, 1-based): chr17:6,483,581, G>A on the plus strand (C>T on the coding strand, the complement: PITPNM3 is on the minus strand). VCF-style: chr17-6483581-G-A. GRCh37 (hg19) VCF-style: chr17-6386901-G-A.
Other names: c.415C>T, p.His139Tyr (NM_001165966.2); short protein forms H139Y, H175Y.
Identifiers: ClinVar variation 1469380 (VCV001469380.8), dbSNP rs750890752, ClinGen allele CA8329806.
Genomic context (GRCh38, chr17:6,483,581, plus strand): 5'-AGACAAGCGAGAAAGCCTCAGAGCAGATGGCAGGACAGGGGACGAACTTGATGAGGATGT[G>A]GCCCAGGGCAGCAGGGAAATGGGCTCGTGTGACCTTCTCCAGCACGGAGCTGAAGGTGTG-3'
Protein context (NP_112497.2, residues 165-185): TRAHFPAALG[His175Tyr]ILIKFVPCPA